The following is an entry in ClinVar:

NM_002184.4(IL6ST):c.1405G>C (p.Asp469His)

Gene: IL6ST (interleukin 6 cytokine family signal transducer; minus strand). Cytogenetic location: 5q11.2.
Variant type: single nucleotide variant.
Coding change: c.1405G>C on transcript NM_002184.4 (MANE Select); coding-DNA position 1405, G replaced by C.
Protein change: p.Asp469His; replaces aspartic acid 469 with histidine.
Molecular consequence: missense variant. On other transcripts: 3 prime UTR variant (1), non-coding transcript variant (2), intron variant (1).
Genome position (GRCh38, 1-based): chr5:55,954,855, C>G on the plus strand (G>C on the coding strand, the complement: IL6ST is on the minus strand). VCF-style: chr5-55954855-C-G. GRCh37 (hg19) VCF-style: chr5-55250683-C-G.
Other names: c.1405G>C, p.Asp469His (NM_001364275.2); c.1195G>C, p.Asp399His (NM_001364276.2); c.538G>C, p.Asp180His (NM_001364277.2); c.502G>C, p.Asp168His (NM_001364278.2); c.409G>C, p.Asp137His (NM_001364279.2); c.*332G>C (NM_175767.3); c.1267+1170G>C (NM_001190981.2); short protein forms D137H, D168H, D180H, D399H, D469H.
Identifiers: ClinVar variation 1524935 (VCV001524935.8), dbSNP rs1561168904, ClinGen allele CA359763427.

ClinVar aggregate classification (germline): Uncertain significance (1 of 4 stars; one submission).

Allele frequency attached by ClinVar (database versions not stated): gnomAD exomes below 0.00001.
gnomAD v4.1: 1 of 1,613,144 alleles (0.000062%); highest among the groups gnomAD compares: East Asian, 0.0022%; no homozygotes.

Submission:

Labcorp Genetics (formerly Invitae), Labcorp
Classification: Uncertain significance. Last evaluated: 2025-03-18. Review status: criteria provided, single submitter. Criteria: Invitae Variant Classification Sherloc (09022015). Collection method: clinical testing. Allele origin: germline.
Comment: This sequence change replaces aspartic acid, which is acidic and polar, with histidine, which is basic and polar, at codon 469 of the IL6ST protein (p.Asp469His). This variant is not present in population databases (gnomAD no frequency). This variant has not been reported in the literature in individuals affected with IL6ST-related conditions. ClinVar contains an entry for this variant (Variation ID: 1524935). An algorithm developed to predict the effect of missense changes on protein structure and function (PolyPhen-2) suggests that this variant is likely to be tolerated. In summary, the available evidence is currently insufficient to determine the role of this variant in disease. Therefore, it has been classified as a Variant of Uncertain Significance.